The following is an entry in ClinVar:

ClinVar aggregate classification (germline): Uncertain significance. Review status: criteria provided, multiple submitters, no conflicts (2 of 4 stars). 3 submissions from 3 submitters: Uncertain significance (3). Last evaluated 2025-03-31.

Conditions:
Pulmonary fibrosis and/or bone marrow failure, Telomere-related, 3. Also called: PULMONARY FIBROSIS AND/OR BONE MARROW FAILURE SYNDROME, TELOMERE-RELATED, 3. Identifiers: Orphanet 2032, MedGen C4225346, MONDO:0014613, OMIM 616373.
Dyskeratosis congenita, autosomal recessive 5 (DKCB5). Identifiers: MedGen C3554656, MONDO:0014076, OMIM 615190.
Inborn genetic diseases. Identifiers: MedGen C0950123, MeSH D030342.

Submissions (3):

Ambry Genetics
Classification: Uncertain significance for Inborn genetic diseases. Last evaluated: 2025-03-31. Review status: criteria provided, single submitter. Criteria: Ambry Variant Classification Scheme 2023. Collection method: clinical testing. Allele origin: germline.
Comment: The p.A722T variant (also known as c.2164G>A), located in coding exon 24 of the RTEL1 gene, results from a G to A substitution at nucleotide position 2164. The alanine at codon 722 is replaced by threonine, an amino acid with similar properties. This amino acid position is conserved. In addition, the in silico prediction for this alteration is inconclusive. Based on the available evidence, the clinical significance of this variant remains unclear.

Women's Health and Genetics/Laboratory Corporation of America, LabCorp
Classification: Uncertain significance. Last evaluated: 2024-09-11. Review status: criteria provided, single submitter. Criteria: LabCorp Variant Classification Summary - May 2015. Collection method: clinical testing. Allele origin: germline.
Comment: Variant summary: RTEL1 c.2236G>A (p.Ala746Thr) results in a non-conservative amino acid change in the encoded protein sequence. Three of five in-silico tools predict a damaging effect of the variant on protein function. The variant was absent in 249384 control chromosomes. The available data on variant occurrences in the general population are insufficient to allow any conclusion about variant significance. To our knowledge, no occurrence of c.2236G>A in individuals affected with Dyskeratosis Congenita (Hoyeraal Hreidarsson Syndrome) and no experimental evidence demonstrating its impact on protein function have been reported. ClinVar contains an entry for this variant (Variation ID: 2933564). Based on the evidence outlined above, the variant was classified as uncertain significance.

Labcorp Genetics (formerly Invitae), Labcorp
Classification: Uncertain significance for Dyskeratosis congenita, autosomal recessive 5; Pulmonary fibrosis and/or bone marrow failure, Telomere-related, 3. Last evaluated: 2023-11-04. Review status: criteria provided, single submitter. Criteria: Invitae Variant Classification Sherloc (09022015). Collection method: clinical testing. Allele origin: germline.
Comment: This sequence change replaces alanine, which is neutral and non-polar, with threonine, which is neutral and polar, at codon 722 of the RTEL1 protein (p.Ala722Thr). This variant is not present in population databases (gnomAD no frequency). This variant has not been reported in the literature in individuals affected with RTEL1-related conditions. An algorithm developed to predict the effect of missense changes on protein structure and function (PolyPhen-2) suggests that this variant is likely to be disruptive. In summary, the available evidence is currently insufficient to determine the role of this variant in disease. Therefore, it has been classified as a Variant of Uncertain Significance.

NM_001283009.2(RTEL1):c.2164G>A (p.Ala722Thr)

Genes: RTEL1 (regulator of telomere elongation helicase 1; plus strand), RTEL1-TNFRSF6B (RTEL1-TNFRSF6B readthrough (NMD candidate); plus strand). Cytogenetic location: 20q13.33.
Variant type: single nucleotide variant.
Coding change: c.2164G>A on transcript NM_001283009.2 (MANE Select); coding-DNA position 2164, G replaced by A.
Protein change: p.Ala722Thr; replaces alanine 722 with threonine.
Molecular consequence: missense variant. On other transcripts: non-coding transcript variant (1).
Genome position (GRCh38, 1-based): chr20:63,690,109, G>A. VCF-style: chr20-63690109-G-A. GRCh37 (hg19) VCF-style: chr20-62321462-G-A.
Other names: c.1495G>A, p.Ala499Thr (NM_001283010.1); c.2164G>A, p.Ala722Thr (NM_016434.4); c.2236G>A, p.Ala746Thr (NM_032957.5); short protein forms A499T, A722T, A746T.
Identifiers: ClinVar variation 2933564 (VCV002933564.5), dbSNP rs2090697243, ClinGen allele CA409679651.